The following is an entry in ClinVar:

NM_206933.4(USH2A):c.2802T>G (p.Cys934Trp)

Genes: USH2A (usherin; minus strand), LOC122152296 (Sharpr-MPRA regulatory region 8762; plus strand). Cytogenetic location: 1q41.
Variant type: single nucleotide variant.
Coding change: c.2802T>G on transcript NM_206933.4 (MANE Select); coding-DNA position 2802, T replaced by G.
Protein change: p.Cys934Trp; replaces cysteine 934 with tryptophan.
Molecular consequence: missense variant.
Genome position (GRCh38, 1-based): chr1:216,246,592, A>C on the plus strand (T>G on the coding strand, the complement: USH2A is on the minus strand). VCF-style: chr1-216246592-A-C. GRCh37 (hg19) VCF-style: chr1-216419934-A-C.
Other names: c.2802T>G, p.Cys934Trp (NM_007123.6); short protein forms C934W.
Identifiers: ClinVar variation 143179 (VCV000143179.98), dbSNP rs201527662, ClinGen allele CA270152.

ClinVar aggregate classification (germline): Pathogenic/Likely pathogenic. Review status: criteria provided, multiple submitters, no conflicts (2 of 4 stars). 31 submissions from 29 submitters: Pathogenic (19); Likely pathogenic (5). 7 of the submissions do not count toward it. Last evaluated 2026-05-18.

Conditions:
Usher syndrome type 2. Also called: Usher Syndrome Type II. Identifiers: Orphanet 231178, MedGen C0339534, MONDO:0016484.
Usher syndrome. Also called: Usher Syndromes; Usher's syndrome. Identifiers: Orphanet 886, MedGen CN469326, MeSH D052245, MONDO:0019501. Disease mechanism: loss of function.
USH2A-related disorder. Also called: USH2A-related condition; USH2A-related disorders. Identifiers: MedGen CN239332.
Retinitis pigmentosa 39 (RP39). Identifiers: Orphanet 791, MedGen C3151138, MONDO:0013436, OMIM 613809.
Usher syndrome type 2A. Also called: USHER SYNDROME, TYPE IIA; RETINAL DISEASE IN USHER SYNDROME TYPE IIA, MODIFIER OF. Identifiers: Orphanet 231178, Orphanet 886, MedGen C1848634, MONDO:0010169, OMIM 276901.
Retinal dystrophy. Also called: Inherited retinal dystrophy. Identifiers: Orphanet 71862, MedGen C0854723, MeSH D058499, MONDO:0019118, HP:0000556.
Retinitis pigmentosa (RP). Identifiers: Orphanet 791, MedGen C0035334, MeSH D012174, MONDO:0019200, OMIM 268000. Inheritance: Autosomal dominant, autosomal recessive and X linked inheritance.

Allele frequency attached by ClinVar (database versions not stated): gnomAD 0.00006 and 0.00013; TOPMed 0.00014; ExAC 0.00021; gnomAD exomes 0.00021; 1000 Genomes Project 0.00080; 1000 Genomes Project 30x 0.00094.
gnomAD v4.1: 146 of 1,614,032 alleles (0.009%); highest among the groups gnomAD compares: East Asian, 0.26%; no homozygotes.

Submissions 1 to 13 of 31:

PreventionGenetics, part of Exact Sciences
Classification: Pathogenic for USH2A-related condition. Last evaluated: 2026-05-18. Review status: criteria provided, single submitter. Criteria: ACMG Guidelines, 2015. Collection method: clinical testing. Allele origin: germline.
Comment: The USH2A c.2802T>G variant is predicted to result in the amino acid substitution p.Cys934Trp. This variant has been reported in the compound heterozygous or homozygous states in individuals with Usher syndrome or retinal disorders, primarily non-syndromic retinitis pigmentosa (see, for example, Xu et al. 2011. PubMed ID: 21686329; Jiang et al. 2015. PubMed ID: 26338283; Table S2, Liu. 2020. PubMed ID: 33090715). It has been shown to segregate with disease in multiple families (Xu et al. 2011. PubMed ID: 21686329; Zheng et al. 2015. PubMed ID: 26310143). This variant is reported in 0.25% of alleles in individuals of East Asian descent in gnomAD. This variant is interpreted as pathogenic.

Medical and Scientific Branch, Hong Kong Genome Institute
Classification: Pathogenic for Retinitis pigmentosa 39. Last evaluated: 2026-01-26. Review status: criteria provided, single submitter. Criteria: ACMG Guidelines, 2015. Collection method: clinical testing. Allele origin: unknown. Affected: yes.

Natera, Inc.
Classification: Pathogenic for Usher syndrome type 2A. Last evaluated: 2026-01-26. Review status: criteria provided, single submitter. Criteria: Natera Variant Classification Schema (03/2026). Collection method: clinical testing. Allele origin: germline.
Comment: The c.2802T>G variant in USH2A is a missense variant predicted to cause substitution of cysteine to tryptophan at amino acid 934. This variant is rare in the general population with a frequency below the threshold expected for the associated phenotype(s). This variant has been observed in one or more individuals affected with the associated recessive disease, as either homozygous or compound heterozygous with a second variant (PMID: 26310143, 27460420, 26338283). Given the available evidence, this variant is classified as Pathogenic.

Labcorp Genetics (formerly Invitae), Labcorp
Classification: Pathogenic. Last evaluated: 2026-01-17. Review status: criteria provided, single submitter. Criteria: Invitae Variant Classification Sherloc (09022015). Collection method: clinical testing. Allele origin: germline.
Comment: This sequence change replaces cysteine, which is neutral and slightly polar, with tryptophan, which is neutral and slightly polar, at codon 934 of the USH2A protein (p.Cys934Trp). This variant is present in population databases (rs201527662, gnomAD 0.2%). This missense change has been observed in individual(s) with Usher syndrome (PMID: 25356976, 26338283, 27160483, 27460420, 29625443, 29899460, 30948794). In at least one individual the data is consistent with being in trans (on the opposite chromosome) from a pathogenic variant. It has also been observed to segregate with disease in related individuals. ClinVar contains an entry for this variant (Variation ID: 143179). Invitae Evidence Modeling of protein sequence and biophysical properties (such as structural, functional, and spatial information, amino acid conservation, physicochemical variation, residue mobility, and thermodynamic stability) indicates that this missense variant is expected to disrupt USH2A protein function with a positive predictive value of 95%. For these reasons, this variant has been classified as Pathogenic.

Division of Genetic & Genomic Pathology, Hong Kong Children's Hospital
Classification: Likely pathogenic for Usher syndrome type 2A. Last evaluated: 2025-12-30. Review status: criteria provided, single submitter. Criteria: ACMG Guidelines, 2015. Collection method: clinical testing. Allele origin: germline. Affected: yes.
Comment: USH2A c.2802T>G p.(Cys934Trp) is a missense variant located in the laminin EGF-like domain in exon 13. It is reported in population controls (gnomAD v4.1.0: total 146 in 1,614,032 alleles; East Asian: 115 in 44,860 alleles). It is deposited in ClinVar with conflicting interpretations of pathogenicity, with majority of submissions as pathogenic/likely pathogenic (accession no.: VCV000143179.73). It has been reported in multiple patients with Usher syndrome or retinitis pigmentosa, in homozygous or compound heterozygous states (PMID: 24938718, 26310143, 26338283, 30948794), and segregated with disease (PMID: 24938718, 26310143). This variant is predicted to be deleterious with a REVEL score of 0.849. For these reasons, this variant is classified as likely pathogenic. This variant is in trans with another nonsense likely pathogenic variant.

3billion
Classification: Pathogenic for Retinitis pigmentosa 39. Last evaluated: 2025-09-30. Review status: criteria provided, single submitter. Criteria: ACMG Guidelines, 2015. Collection method: clinical testing. Allele origin: germline. Affected: yes.
Comment: The variant is observed at an extremely low frequency in the gnomAD v4.1.0 dataset (total allele frequency: 0.009%). Predicted Consequence/Location: Missense variant In silico tool predictions suggest damaging effect of the variant on gene or gene product [REVEL: 0.85 (>=0.6, sensitivity 0.68 and specificity 0.92); 3Cnet: 0.98 (> 0.75, sensitivity 0.96 and precision 0.92)]. The same nucleotide change resulting in the same amino acid change has been previously reported as pathogenic/likely pathogenic with strong evidence (ClinVar ID: VCV000143179 /PMID: 21686329 /3billion dataset). The variant has been reported to be in trans with a pathogenic variant as either compound heterozygous or homozygous in at least 2 similarly affected unrelated individuals (PMID: 26338283, 27160483). A different missense change at the same codon (p.Cys934Arg) has been reported to be associated with USH2A-related disorder (ClinVar ID: VCV000856761). Therefore, this variant is classified as Pathogenic according to the recommendation of ACMG/AMP guideline.

GeneDx
Classification: Pathogenic. Last evaluated: 2025-07-21. Review status: criteria provided, single submitter. Criteria: GeneDx Variant Classification Process June 2021. Collection method: clinical testing. Allele origin: germline. Affected: yes.
Comment: In silico analysis supports that this missense variant has a deleterious effect on protein structure/function; This variant is associated with the following publications: (PMID: 26992781, 29899460, 34416374, 33629268, 32531858, 31904091, 31045651, 31054281, 25262649, 25356976, 25474345, 26310143, 21686329, 24938718, 25324289, 27460420, 25649381, 25078356, 26338283, 28041643, 28704127, 29625443, 30487145, 29074561, 32100970, 31960602, 31213501, 32188678, 31872526, 30948794, 31456290, 32203226, 30896630, 32581362, 32893482, 33090715, 33105608, 34426522, 33124170, 32675063, 33608557, 31964843, 36464167, 36110214, 37981655, 33749171, 33781268, 33946315, 33691693, 32037395, 35314707, 34721897, 35266249, 35052368, 36597107, 36729443, 36819107, 38167091, 38841332, 34599366, 38219857)

SingHealth Duke-NUS Institute of Precision Medicine
Classification: Likely pathogenic for Retinitis pigmentosa 39. Last evaluated: 2025-02-05. Review status: criteria provided, single submitter. Criteria: PRISM ACMG Classification Criteria. Collection method: clinical testing. Allele origin: germline. Affected: yes.
Comment: Variant is located in a mutational hotspot where >50% of variants are pathogenic (PM1). Homozygous allele count in gnomAD exomes and genomes are less than 0 (PM2). Other variant at this amino acid residue have been classified as pathogenic/likely pathogenic (PM5, p.Cys934Arg) . REVEL score is 0.849 (PP3_mod). Variant is observed to be in trans with a different pathogenic variant (PM3).

Blueprint Genetics
Classification: Pathogenic for USH2A-related disorders. Last evaluated: 2024-11-15. Review status: criteria provided, single submitter. Criteria: ACMG Guidelines, 2015. Collection method: clinical testing. Allele origin: germline. Affected: yes. Observed: 5 variant alleles.

Revvity Omics, Revvity
Classification: Pathogenic. Last evaluated: 2024-07-29. Review status: criteria provided, single submitter. Criteria: ACMG Guidelines, 2015. Collection method: clinical testing. Allele origin: germline.

Baylor Genetics
Classification: Pathogenic for Retinitis pigmentosa 39. Last evaluated: 2024-03-27. Review status: criteria provided, single submitter. Criteria: ACMG Guidelines, 2015. Collection method: clinical testing. Allele origin: unknown.

Fulgent Genetics
Classification: Pathogenic for Usher syndrome type 2A; Retinitis pigmentosa 39. Last evaluated: 2024-02-26. Review status: criteria provided, single submitter. Criteria: ACMG Guidelines, 2015. Collection method: clinical testing. Allele origin: germline.

Dept Of Ophthalmology, Nagoya University
Classification: Pathogenic for Retinal dystrophy. Last evaluated: 2023-10-01. Review status: criteria provided, single submitter. Criteria: Submitter's publication. Collection method: research. Allele origin: germline. Affected: yes.